The following is an entry in ClinVar:

ClinVar aggregate classification (germline): Pathogenic. Review status: criteria provided, single submitter (1 of 4 stars). 2 submissions from 2 submitters: Pathogenic (1). 1 of the submissions does not count toward it. Last evaluated 2023-02-23.

Conditions:
Familial cancer of breast. Also called: hereditary breast carcinoma; BREAST CANCER, FAMILIAL; Hereditary breast cancer. Identifiers: Orphanet 227535, MedGen C0346153, MONDO:0016419, OMIM 114480. Disease mechanism: loss of function.

Submissions (2):

Myriad Genetics, Inc.
Classification: Pathogenic for Familial cancer of breast. Last evaluated: 2023-02-23. Review status: criteria provided, single submitter. Criteria: Myriad Autosomal Dominant, Autosomal Recessive and X-Linked Classification Criteria (2023). Collection method: clinical testing. Allele origin: unknown.
Comment: This variant is considered pathogenic. This variant creates a termination codon and is predicted to result in premature protein truncation.

Counsyl
Classification: Likely pathogenic for Familial cancer of breast. Last evaluated: 2017-03-06. Review status: no assertion criteria provided. Collection method: clinical testing. Allele origin: unknown. Not counted in ClinVar's aggregate classification.

NM_000465.4(BARD1):c.1939C>T (p.Gln647Ter)

Gene: BARD1 (BRCA1 associated RING domain 1; minus strand). Cytogenetic location: 2q35.
Variant type: single nucleotide variant.
Coding change: c.1939C>T on transcript NM_000465.4 (MANE Select); coding-DNA position 1939, C replaced by T.
Protein change: p.Gln647Ter; replaces glutamine 647 with a stop codon.
Molecular consequence: nonsense. On other transcripts: non-coding transcript variant (3).
Genome position (GRCh38, 1-based): chr2:214,730,473, G>A on the plus strand (C>T on the coding strand, the complement: BARD1 is on the minus strand). VCF-style: chr2-214730473-G-A. GRCh37 (hg19) VCF-style: chr2-215595197-G-A.
Other names: c.1882C>T, p.Gln628Ter (NM_001282543.2); c.586C>T, p.Gln196Ter (NM_001282545.2); c.529C>T, p.Gln177Ter (NM_001282548.2); c.400C>T, p.Gln134Ter (NM_001282549.2); short protein forms Q647*, Q177*, Q196*, Q628*, Q134*.
Identifiers: ClinVar variation 487427 (VCV000487427.5), dbSNP rs1350570988, ClinGen allele CA350451210.
Genomic context (GRCh38, chr2:214,730,473, plus strand): 5'-GCTGTTCTCTGTTGAGCCTGCTTCTGCGTGGACCTTCAGGAATTTCATACTTTTCTTCCT[G>A]TTCACATACTTTTCTTCGTAGACATGCTTTTACCCCTGACAAAAACACAAGAATTAAAGC-3'